The following is an entry in ClinVar:

NM_001267550.2(TTN):c.6517T>G (p.Leu2173Val)

Gene: TTN (titin; minus strand). Cytogenetic location: 2q31.2.
Variant type: single nucleotide variant.
Coding change: c.6517T>G on transcript NM_001267550.2 (MANE Select); coding-DNA position 6517, T replaced by G.
Protein change: p.Leu2173Val; replaces leucine 2173 with valine.
Molecular consequence: missense variant.
Genome position (GRCh38, 1-based): chr2:178,775,194, A>C on the plus strand (T>G on the coding strand, the complement: TTN is on the minus strand). VCF-style: chr2-178775194-A-C. GRCh37 (hg19) VCF-style: chr2-179639921-A-C.
Other names: c.6517T>G, p.Leu2173Val (NM_133378.4, NM_001256850.1, NM_133379.5); c.6379T>G, p.Leu2127Val (NM_003319.4, NM_133432.3, NM_133437.4); short protein forms L2173V, L2127V.
Identifiers: ClinVar variation 332951 (VCV000332951.12), dbSNP rs760798049, ClinGen allele CA2005016.

ClinVar aggregate classification (germline): Conflicting classifications of pathogenicity. Review status: criteria provided, conflicting classifications (1 of 4 stars). 5 submissions from 1 submitter: Uncertain significance (3); Benign (2). Last evaluated 2018-01-13.

Conditions:
Myopathy, myofibrillar, 9, with early respiratory failure (MFM9). Also called: Myopathy, distal, with early respiratory failure, autosomal dominant; Hereditary myopathy with early respiratory failure; EDSTROM MYOPATHY; MYOPATHY, PROXIMAL, WITH EARLY RESPIRATORY MUSCLE INVOLVEMENT. Identifiers: Orphanet 178464, Orphanet 34521, MedGen C1863599, MONDO:0011362, OMIM 603689.
Autosomal recessive limb-girdle muscular dystrophy type 2J (LGMDR10). Also called: MUSCULAR DYSTROPHY, LIMB-GIRDLE, AUTOSOMAL RECESSIVE 10; Limb-girdle muscular dystrophy, type 2J. Identifiers: Orphanet 140922, MedGen C1837342, MONDO:0012127, OMIM 608807.
Tibial muscular dystrophy (TMD). Also called: Udd Distal Myopathy – Tibial Muscular Dystrophy; UDD MYOPATHY; Tibial muscular dystrophy, tardive. Identifiers: Orphanet 609, MedGen C1838244, MONDO:0010870, OMIM 600334.
Dilated cardiomyopathy 1G (CMD1G). Identifiers: Orphanet 154, MedGen C1858763, MONDO:0011400, OMIM 604145.
Early-onset myopathy with fatal cardiomyopathy (CMYO5). Also called: CONGENITAL MYOPATHY 5 WITH CARDIOMYOPATHY; Salih Myopathy. Identifiers: Orphanet 289377, MedGen C2673677, MONDO:0012714, OMIM 611705. Disease mechanism: loss of function.

Allele frequency attached by ClinVar (database versions not stated): gnomAD 0.00001; ExAC 0.00002; TOPMed 0.00003; gnomAD exomes 0.00004.
gnomAD v4.1: 13 of 1,613,794 alleles (0.00081%); highest among the groups gnomAD compares: East Asian, 0.027%; no homozygotes.

Submissions (5):

Illumina Laboratory Services, Illumina
Classification: Benign for Tibial muscular dystrophy. Last evaluated: 2018-01-13. Review status: criteria provided, single submitter. Criteria: ICSL Variant Classification Criteria 13 December 2019. Collection method: clinical testing. Allele origin: germline.
Comment: This variant was observed in the ICSL laboratory as part of a predisposition screen in an ostensibly healthy population. It had not been previously curated by ICSL or reported in the Human Gene Mutation Database (HGMD: prior to June 1st, 2018), and was therefore a candidate for classification through an automated scoring system. Utilizing variant allele frequency, disease prevalence and penetrance estimates, and inheritance mode, an automated score was calculated to assess if this variant is too frequent to cause the disease. Based on the score and internal cut-off values, a variant classified as benign is not then subjected to further curation. The score for this variant resulted in a classification of benign for this disease.

Illumina Laboratory Services, Illumina
Classification: Uncertain significance for Autosomal recessive limb-girdle muscular dystrophy type 2J. Last evaluated: 2018-01-13. Review status: criteria provided, single submitter. Criteria: ICSL Variant Classification Criteria 13 December 2019. Collection method: clinical testing. Allele origin: germline.

Illumina Laboratory Services, Illumina
Classification: Uncertain significance for Early-onset myopathy with fatal cardiomyopathy. Last evaluated: 2018-01-13. Review status: criteria provided, single submitter. Criteria: ICSL Variant Classification Criteria 13 December 2019. Collection method: clinical testing. Allele origin: germline.

Illumina Laboratory Services, Illumina
Classification: Uncertain significance for Dilated cardiomyopathy 1G. Last evaluated: 2018-01-13. Review status: criteria provided, single submitter. Criteria: ICSL Variant Classification Criteria 13 December 2019. Collection method: clinical testing. Allele origin: germline.

Illumina Laboratory Services, Illumina
Classification: Benign for Myopathy, myofibrillar, 9, with early respiratory failure. Last evaluated: 2018-01-13. Review status: criteria provided, single submitter. Criteria: ICSL Variant Classification Criteria 13 December 2019. Collection method: clinical testing. Allele origin: germline.
Comment: the same text as in the submission from Illumina Laboratory Services, Illumina above.